The following is an entry in ClinVar:

NM_001278293.3(ARL6):c.298T>A (p.Leu100Ile)

Gene: ARL6 (ARF like GTPase 6; plus strand). Cytogenetic location: 3q11.2.
Variant type: single nucleotide variant.
Coding change: c.298T>A on transcript NM_001278293.3 (MANE Select); coding-DNA position 298, T replaced by A.
Protein change: p.Leu100Ile; replaces leucine 100 with isoleucine.
Molecular consequence: missense variant. On other transcripts: non-coding transcript variant (7).
Genome position (GRCh38, 1-based): chr3:97,784,998, T>A. VCF-style: chr3-97784998-T-A. GRCh37 (hg19) VCF-style: chr3-97503842-T-A.
Other names: c.298T>A, p.Leu100Ile (NM_001323513.2, NM_001323514.2, NM_032146.5 and 1 more transcripts); short protein forms L100I.
Identifiers: ClinVar variation 3352912 (VCV003352912.1).

ClinVar aggregate classification (germline): Uncertain significance (0 of 4 stars; one submission).

Conditions:
ARL6-related disorder. Also called: ARL6-related condition.

Submission:

PreventionGenetics, part of Exact Sciences
Classification: Uncertain significance for ARL6-related condition. Last evaluated: 2023-11-03. Review status: no assertion criteria provided. Collection method: clinical testing. Allele origin: germline.
Comment: The ARL6 c.298T>A variant is predicted to result in the amino acid substitution p.Leu100Ile. To our knowledge, this variant has not been reported in the literature or in a large population database, indicating this variant is rare. At this time, the clinical significance of this variant is uncertain due to the absence of conclusive functional and genetic evidence.